The following is an entry in ClinVar:

GRCh38/hg38 11p15.5(chr11:1923685-2003319)x3

Genes: H19 (H19 imprinted maternally expressed transcript; minus strand), H19-ICR (H19/IGF2 imprinting control region; plus strand), HOTS (H19 opposite tumor suppressor; plus strand), LINC01219 (long intergenic non-protein coding RNA 1219; plus strand), MIR675 (microRNA 675; minus strand) and 6 more. Cytogenetic location: 11p15.5.
Variant type: copy number gain.
Change: copy number 3 (three copies instead of two) of chr11:1,923,685-2,003,319 (79.6 kb, GRCh38 coordinates, 1-based), cytogenetic band 11p15.5.
Identifiers: ClinVar variation 59749 (VCV000059749.1).

ClinVar aggregate classification (germline): Pathogenic (1 of 4 stars; one submission).

Submission:

ISCA site 15
Classification: Pathogenic. Last evaluated: 2011-08-12. Review status: criteria provided, single submitter. Criteria: Kaminsky et al. (Genet Med. 2011). Collection method: clinical testing. Allele origin: unknown. Affected: yes. Observed: 1 variant allele.
Comment: Copy number variation identified through the course of routine clinical cytogenomic testing in postnatal populations. Clinical assertions have been curated as described in Kaminsky et al. 2011.